The following is an entry in ClinVar:

NM_005859.5(PURA):c.197T>C (p.Val66Ala)

Gene: PURA (purine rich element binding protein A; plus strand). Cytogenetic location: 5q31.3.
Variant type: single nucleotide variant.
Coding change: c.197T>C on transcript NM_005859.5 (MANE Select); coding-DNA position 197, T replaced by C.
Protein change: p.Val66Ala; replaces valine 66 with alanine.
Molecular consequence: missense variant.
Genome position (GRCh38, 1-based): chr5:140,114,378, T>C. VCF-style: chr5-140114378-T-C. GRCh37 (hg19) VCF-style: chr5-139493963-T-C.
Other names: short protein forms V66A.
Identifiers: ClinVar variation 3377120 (VCV003377120.1).

ClinVar aggregate classification (germline): Likely pathogenic (1 of 4 stars; one submission).

Conditions:
PURA-related severe neonatal hypotonia-seizures-encephalopathy syndrome (NEDRIHF). Also called: PURA-Related Neurodevelopmental Disorders; NEURODEVELOPMENTAL DISORDER WITH NEONATAL RESPIRATORY INSUFFICIENCY, HYPOTONIA, AND FEEDING DIFFICULTIES. Identifiers: Orphanet 438213, Orphanet 438216, MedGen C4015357, MONDO:1060108, OMIM 616158, MONDO:0018580.

Submission:

Victorian Clinical Genetics Services, Murdoch Childrens Research Institute
Classification: Likely pathogenic for PURA-related severe neonatal hypotonia-seizures-encephalopathy syndrome. Last evaluated: 2024-10-09. Review status: criteria provided, single submitter. Criteria: ACMG Guidelines, 2015. Collection method: clinical testing. Allele origin: germline. Inheritance: Autosomal dominant inheritance. Affected: yes.
Comment: Based on the classification scheme VCGS_Germline_v1.3.4, this variant is classified as Likely pathogenic. Following criteria are met: 0102 - Loss of function is likely a mechanism of disease in this gene and is associated with neurodevelopmental disorder with neonatal respiratory insufficiency, hypotonia, and feeding difficulties (MIM#616158; PMID: 28448108). (I) 0107 - This gene is associated with autosomal dominant disease. (I) 0115 - Variants in this gene are known to have variable expressivity (PMID: 29097605). (I) 0200 - Variant is predicted to result in a missense amino acid change from valine to alanine. (I) 0251 - This variant is heterozygous. (I) 0301 - Variant is absent from gnomAD (both v2 and v3). (SP) 0502 - Missense variant with conflicting in silico predictions and uninformative conservation. (I) 0603 - Missense variant in a region that is highly intolerant to missense variation (high constraint region in DECIPHER). (SP) 0705 - No comparable missense variants have previous evidence for pathogenicity. (I) 0802 - This variant has moderate previous evidence of pathogenicity in unrelated individuals. This variant has been observed as de novo in an individual with PURA-related symptoms, classified as likely pathogenic (PMID: 32427350). (SP) 1007 - No published functional evidence has been identified for this variant. (SP) Legend: (SP) - Supporting pathogenic, (I) - Information, (SB) - Supporting benign

Literature cited by the submitters: PubMed 28448108; PubMed 29097605; PubMed 32427350.